The following is an entry in ClinVar:

NM_001199107.2(TBC1D24):c.787G>C (p.Asp263His)

Gene: TBC1D24 (TBC1 domain family member 24; plus strand). Cytogenetic location: 16p13.3.
Variant type: single nucleotide variant.
Coding change: c.787G>C on transcript NM_001199107.2 (MANE Select); coding-DNA position 787, G replaced by C.
Protein change: p.Asp263His; replaces aspartic acid 263 with histidine.
Molecular consequence: missense variant.
Genome position (GRCh38, 1-based): chr16:2,496,935, G>C. VCF-style: chr16-2496935-G-C. GRCh37 (hg19) VCF-style: chr16-2546936-G-C.
Other names: c.787G>C, p.Asp263His (NM_020705.3); short protein forms D263H.
Identifiers: ClinVar variation 1045503 (VCV001045503.9), dbSNP rs2065747955, ClinGen allele CA394377320.

ClinVar aggregate classification (germline): Uncertain significance (1 of 4 stars; one submission).

Conditions:
Developmental and epileptic encephalopathy, 1 (DEE1). Also called: X-linked infantile spasms; West's syndrome; Tonic spasms with clustering, arrest of psychomotor development and hypsarrhythmia on EEG; X-Linked Infantile Spasm Syndrome; OHTAHARA SYNDROME, X-LINKED; Epileptic encephalopathy, early infantile, 1. Identifiers: MedGen C3463992, MONDO:0010632, OMIM 308350. Disease mechanism: loss of function.
Autosomal dominant nonsyndromic hearing loss 65. Also called: Deafness, autosomal dominant 65; TBC1D24-Related Autosomal Dominant Nonsyndromic Hearing Loss (DFNA). Identifiers: Orphanet 90635, MedGen C3892048, MONDO:0014470, OMIM 616044.

gnomAD v4.1: 1 of 1,614,066 alleles (0.000062%); highest among the groups gnomAD compares: Non-Finnish European, 0.000085%; no homozygotes.

Submission:

Labcorp Genetics (formerly Invitae), Labcorp
Classification: Uncertain significance for Developmental and epileptic encephalopathy, 1; Autosomal dominant nonsyndromic hearing loss 65. Last evaluated: 2020-03-06. Review status: criteria provided, single submitter. Criteria: Invitae Variant Classification Sherloc (09022015). Collection method: clinical testing. Allele origin: germline.
Comment: This variant is not present in population databases (ExAC no frequency). This sequence change replaces aspartic acid with histidine at codon 263 of the TBC1D24 protein (p.Asp263His). The aspartic acid residue is moderately conserved and there is a moderate physicochemical difference between aspartic acid and histidine. This variant has not been reported in the literature in individuals with TBC1D24-related conditions. In summary, the available evidence is currently insufficient to determine the role of this variant in disease. Therefore, it has been classified as a Variant of Uncertain Significance. Algorithms developed to predict the effect of missense changes on protein structure and function (SIFT, PolyPhen-2, Align-GVGD) all suggest that this variant is likely to be tolerated, but these predictions have not been confirmed by published functional studies and their clinical significance is uncertain.